The following is an entry in ClinVar:

NC_012920.1(MT-CO1):m.7020G>A

Gene: MT-CO1 (mitochondrially encoded cytochrome c oxidase I; plus strand).
Variant type: single nucleotide variant.
Genome position: chrM-7020-G-A.
Identifiers: ClinVar variation 692692 (VCV000692692.1), dbSNP rs1603220735, ClinGen allele CA414790697.

ClinVar aggregate classification (germline): Uncertain significance (1 of 4 stars; one submission).

Conditions:
Leigh syndrome (NULS). Also called: Leigh's necrotizing encephalopathy; Leigh's disease; Leigh Syndrome (mtDNA deletion); Leigh Disease; Subacute necrotizing encephalopathy; Necrotizing encephalopathy infantile subacute of Leigh. Identifiers: Orphanet 506, MedGen C2931891, MONDO:0009723, OMIM 256000.

Submission:

Wong Mito Lab, Molecular and Human Genetics, Baylor College of Medicine
Classification: Uncertain significance for Leigh syndrome. Last evaluated: 2019-10-17. Review status: criteria provided, single submitter. Criteria: Modified ACMG Guidelines (Unpublished). Collection method: clinical testing. Allele origin: germline.
Comment: The NC_012920.1:m.7020G>A (YP_003024028.1:p.Val373Ile) variant in MTCO1 gene is interpretated to be a Uncertain Significance variant based on the modified ACMG guidelines (unpublished). This variant meets the following evidence codes: PP3, PP7